The following is an entry in ClinVar:

NM_133379.5(TTN):c.11925G>A (p.Val3975=)

Gene: TTN (titin; minus strand). Cytogenetic location: 2q31.2.
Variant type: single nucleotide variant.
Coding change: c.11925G>A on transcript NM_133379.5; coding-DNA position 11925, G replaced by A.
Protein change: p.Val3975=; no amino-acid change (valine 3975 retained).
Molecular consequence: synonymous variant. On other transcripts: intron variant (6).
Genome position (GRCh38, 1-based): chr2:178,750,475, C>T on the plus strand (G>A on the coding strand, the complement: TTN is on the minus strand). VCF-style: chr2-178750475-C-T. GRCh37 (hg19) VCF-style: chr2-179615202-C-T.
Other names: c.10360+2649G>A (NM_001256850.1, NM_133378.4); c.10222+2649G>A (NM_003319.4); c.10798+2649G>A (NM_133437.4); c.10597+2649G>A (NM_133432.3); c.11311+2649G>A (NM_001267550.2).
Identifiers: ClinVar variation 228181 (VCV000228181.6), dbSNP rs562072193, ClinGen allele CA2003652.

ClinVar aggregate classification (germline): Likely benign. Review status: criteria provided, multiple submitters, no conflicts (2 of 4 stars). 3 submissions from 3 submitters: Likely benign (3). Last evaluated 2023-03-22.

Allele frequency attached by ClinVar (database versions not stated): gnomAD below 0.00001 and 0.00004; TOPMed below 0.00001; gnomAD exomes 0.00027 and 0.00014; 1000 Genomes Project 30x 0.00047; 1000 Genomes Project 0.00060; ExAC 0.00026.
gnomAD v4.1: 215 of 1,612,884 alleles (0.013%); highest among the groups gnomAD compares: South Asian, 0.22%; 2 homozygotes.

Submissions (3):

Blueprint Genetics
Classification: Likely benign. Last evaluated: 2023-03-22. Review status: criteria provided, single submitter. Criteria: ACMG Guidelines, 2015. Collection method: clinical testing. Allele origin: germline.

GeneDx
Classification: Likely benign. Last evaluated: 2016-07-07. Review status: criteria provided, single submitter. Criteria: GeneDx Variant Classification (06012015). Collection method: clinical testing. Allele origin: germline. Affected: yes.
Comment: This variant is considered likely benign or benign based on one or more of the following criteria: it is a conservative change, it occurs at a poorly conserved position in the protein, it is predicted to be benign by multiple in silico algorithms, and/or has population frequency not consistent with disease.

Laboratory for Molecular Medicine, Mass General Brigham Personalized Medicine
Classification: Likely benign. Last evaluated: 2015-07-23. Review status: criteria provided, single submitter. Criteria: LMM Criteria. Collection method: clinical testing. Allele origin: germline. Observed: 1 variant allele.
Comment: p.Val3975Val in exon 45A of TTN: This variant is not expected to have clinical s ignificance because it does not alter an amino acid residue and is not located w ithin the splice consensus sequence. It has been identified in 0.2% (30/16472) o f South Asian chromosomes by the Exome Aggregation Consortium (ExAC .; dbSNP rs562072193).